The following is an entry in ClinVar:

NM_144997.7(FLCN):c.1363G>A (p.Glu455Lys)

Gene: FLCN (folliculin; minus strand). Cytogenetic location: 17p11.2.
Variant type: single nucleotide variant.
Coding change: c.1363G>A on transcript NM_144997.7 (MANE Select); coding-DNA position 1363, G replaced by A.
Protein change: p.Glu455Lys; replaces glutamic acid 455 with lysine.
Molecular consequence: missense variant.
Genome position (GRCh38, 1-based): chr17:17,215,254, C>T on the plus strand (G>A on the coding strand, the complement: FLCN is on the minus strand). VCF-style: chr17-17215254-C-T. GRCh37 (hg19) VCF-style: chr17-17118568-C-T.
Other names: c.1363G>A (LRG_325t1); c.1417G>A, p.Glu473Lys (NM_001353229.2); c.1363G>A, p.Glu455Lys (NM_001353230.2, NM_001353231.2); short protein forms E455K, E473K.
Identifiers: ClinVar variation 647717 (VCV000647717.21), dbSNP rs759637055, ClinGen allele CA8416017.

ClinVar aggregate classification (germline): Conflicting classifications of pathogenicity. Review status: criteria provided, conflicting classifications (1 of 4 stars). 7 submissions from 7 submitters: Uncertain significance (5); Likely benign (2). Last evaluated 2026-07-17.

Conditions:
Birt-Hogg-Dube syndrome 1 (BHD1). Also called: FIBROFOLLICULOMAS WITH TRICHODISCOMAS AND ACROCHORDONS. Identifiers: Orphanet 122, MedGen CN375946, MONDO:0800445, OMIM 135150.
FLCN-related disorder. Also called: FLCN-related condition.
Birt-Hogg-Dube syndrome. Also called: Birt Hogg Dubé syndrome. Identifiers: Orphanet 122, MedGen C0346010, MONDO:0800444.
Colorectal cancer. Also called: Malignant Colorectal Neoplasm; Colorectal cancer, somatic. Identifiers: MedGen C0346629, MONDO:0005575, OMIM 114500.
17p11.2 microduplication syndrome (PTLS). Also called: CHROMOSOME 17p11.2 DUPLICATION SYNDROME; Potocki-Lupski syndrome; Duplication 17p11.2 syndrome; Potocki-Lupski syndrome (dup(17)(p11.2p11.2)). Identifiers: Orphanet 1713, MedGen C2931246, MONDO:0012574, OMIM 610883.
Nonpapillary renal cell carcinoma. Identifiers: Orphanet 422526, MedGen CN074294, MONDO:0007763, OMIM 144700.
Familial spontaneous pneumothorax (PSP). Identifiers: Orphanet 2903, MedGen C1868193, MONDO:0008259, OMIM 173600.
Hereditary cancer-predisposing syndrome. Also called: Neoplastic Syndromes, Hereditary; Tumor predisposition; Hereditary neoplastic syndrome; Hereditary Cancer Syndrome. Identifiers: Orphanet 140162, MedGen C0027672, MeSH D009386, MONDO:0015356.

Allele frequency attached by ClinVar (database versions not stated): gnomAD 0.00001; gnomAD exomes 0.00002 and 0.00004; TOPMed 0.00003; ExAC 0.00005.
gnomAD v4.1: 29 of 1,614,096 alleles (0.0018%); highest among the groups gnomAD compares: Non-Finnish European, 0.0022%; no homozygotes.

Submissions (7):

PreventionGenetics, part of Exact Sciences
Classification: Uncertain significance for FLCN-related condition. Last evaluated: 2026-07-17. Review status: criteria provided, single submitter. Criteria: ACMG Guidelines, 2015. Collection method: clinical testing. Allele origin: germline.
Comment: The FLCN c.1363G>A variant is predicted to result in the amino acid substitution p.Glu455Lys. To our knowledge, this variant has not been reported in the literature. This variant is reported in 0.0070% of alleles in individuals of European (Non-Finnish) descent in gnomAD and has conflicting interpretations in ClinVar ranging from likely benign to uncertain (Variation ID: 647717). At this time, the clinical significance of this variant is uncertain due to the absence of conclusive functional and genetic evidence.

Labcorp Genetics (formerly Invitae), Labcorp
Classification: Uncertain significance for Birt-Hogg-Dube syndrome. Last evaluated: 2026-01-15. Review status: criteria provided, single submitter. Criteria: Invitae Variant Classification Sherloc (09022015). Collection method: clinical testing. Allele origin: germline.
Comment: This sequence change replaces glutamic acid, which is acidic and polar, with lysine, which is basic and polar, at codon 455 of the FLCN protein (p.Glu455Lys). This variant is present in population databases (rs759637055, gnomAD 0.007%). This variant has not been reported in the literature in individuals affected with FLCN-related conditions. ClinVar contains an entry for this variant (Variation ID: 647717). Invitae Evidence Modeling of protein sequence and biophysical properties (such as structural, functional, and spatial information, amino acid conservation, physicochemical variation, residue mobility, and thermodynamic stability) indicates that this missense variant is not expected to disrupt FLCN protein function with a negative predictive value of 80%. In summary, the available evidence is currently insufficient to determine the role of this variant in disease. Therefore, it has been classified as a Variant of Uncertain Significance.

GeneDx
Classification: Uncertain significance. Last evaluated: 2025-09-17. Review status: criteria provided, single submitter. Criteria: GeneDx Variant Classification Process June 2021. Collection method: clinical testing. Allele origin: germline. Affected: yes.
Comment: In silico analysis suggests that this missense variant does not alter protein structure/function; Has not been previously published as pathogenic or benign to our knowledge; This variant is associated with the following publications: (PMID: 17028174)

Myriad Genetics, Inc.
Classification: Likely benign for Birt-Hogg-Dube syndrome 1. Last evaluated: 2024-10-24. Review status: criteria provided, single submitter. Criteria: Myriad Autosomal Dominant, Autosomal Recessive and X-Linked Classification Criteria (2023). Collection method: clinical testing. Allele origin: unknown.
Comment: This variant is considered likely benign. This variant has been observed at a population frequency that is significantly greater than expected given the associated disease prevalence and penetrance.

Baylor Genetics
Classification: Uncertain significance for Birt-Hogg-Dube syndrome 1. Last evaluated: 2024-03-03. Review status: criteria provided, single submitter. Criteria: ACMG Guidelines, 2015. Collection method: clinical testing. Allele origin: unknown.

Ambry Genetics
Classification: Likely benign for Hereditary cancer-predisposing syndrome. Last evaluated: 2022-08-22. Review status: criteria provided, single submitter. Criteria: Ambry Variant Classification Scheme 2023. Collection method: clinical testing. Allele origin: germline.

Fulgent Genetics
Classification: Uncertain significance for Colorectal cancer; Birt-Hogg-Dube syndrome 1; Nonpapillary renal cell carcinoma; Familial spontaneous pneumothorax; 17p11.2 microduplication syndrome. Last evaluated: 2022-01-13. Review status: criteria provided, single submitter. Criteria: ACMG Guidelines, 2015. Collection method: clinical testing. Allele origin: unknown.